The following is an entry in ClinVar:

NM_001003800.2(BICD2):c.1192C>T (p.Arg398Trp)

Gene: BICD2 (BICD cargo adaptor 2; minus strand). Cytogenetic location: 9q22.31.
Variant type: single nucleotide variant.
Coding change: c.1192C>T on transcript NM_001003800.2 (MANE Select); coding-DNA position 1192, C replaced by T.
Protein change: p.Arg398Trp; replaces arginine 398 with tryptophan.
Molecular consequence: missense variant.
Genome position (GRCh38, 1-based): chr9:92,719,453, G>A on the plus strand (C>T on the coding strand, the complement: BICD2 is on the minus strand). VCF-style: chr9-92719453-G-A. GRCh37 (hg19) VCF-style: chr9-95481735-G-A.
Other names: c.1192C>T, p.Arg398Trp (NM_015250.4); short protein forms R398W.
Identifiers: ClinVar variation 1662339 (VCV001662339.12), dbSNP rs189266003, ClinGen allele CA5126612.

ClinVar aggregate classification (germline): Benign/Likely benign. Review status: criteria provided, multiple submitters, no conflicts (2 of 4 stars). 3 submissions from 3 submitters: Benign (1); Likely benign (1). 1 of the submissions does not count toward it. Last evaluated 2025-12-28.

Conditions:
Autosomal dominant childhood-onset proximal spinal muscular atrophy with contractures (SMALED2A). Also called: Spinal muscular atrophy, lower extremity-predominant, 2A, autosomal dominant; SPINAL MUSCULAR ATROPHY, LOWER EXTREMITY-PREDOMINANT, 2A, CHILDHOOD ONSET, AUTOSOMAL DOMINANT. Identifiers: Orphanet 363447, Orphanet 363454, MedGen C4747715, MONDO:0014121, OMIM 615290.
Inborn genetic diseases. Identifiers: MedGen C0950123, MeSH D030342.
BICD2-related disorder. Also called: BICD2-related condition.

Allele frequency attached by ClinVar (database versions not stated): gnomAD exomes 0.00010 and 0.00047; gnomAD 0.00020 and 0.00025; ExAC 0.00044; 1000 Genomes Project 0.00140; 1000 Genomes Project 30x 0.00141.
gnomAD v4.1: 192 of 1,614,096 alleles (0.012%); highest among the groups gnomAD compares: East Asian, 0.31%; 1 homozygote.

Submissions (3):

Labcorp Genetics (formerly Invitae), Labcorp
Classification: Benign for Autosomal dominant childhood-onset proximal spinal muscular atrophy with contractures. Last evaluated: 2025-12-28. Review status: criteria provided, single submitter. Criteria: Invitae Variant Classification Sherloc (09022015). Collection method: clinical testing. Allele origin: germline.

Ambry Genetics
Classification: Likely benign for Inborn genetic diseases. Last evaluated: 2019-10-30. Review status: criteria provided, single submitter. Criteria: Ambry Variant Classification Scheme 2023. Collection method: clinical testing. Allele origin: germline.

PreventionGenetics, part of Exact Sciences
Classification: Benign for BICD2-related condition. Last evaluated: 2019-10-31. Review status: no assertion criteria provided. Collection method: clinical testing. Allele origin: germline. Not counted in ClinVar's aggregate classification.
Comment: This variant is classified as benign based on ACMG/AMP sequence variant interpretation guidelines (Richards et al. 2015 PMID: 25741868, with internal and published modifications).